The following is an entry in ClinVar:

NM_002439.5(MSH3):c.2626C>T (p.Gln876Ter)

Gene: MSH3 (mutS homolog 3; plus strand). Cytogenetic location: 5q14.1.
Variant type: single nucleotide variant.
Coding change: c.2626C>T on transcript NM_002439.5 (MANE Select); coding-DNA position 2626, C replaced by T.
Protein change: p.Gln876Ter; replaces glutamine 876 with a stop codon.
Molecular consequence: nonsense.
Genome position (GRCh38, 1-based): chr5:80,792,815, C>T. VCF-style: chr5-80792815-C-T. GRCh37 (hg19) VCF-style: chr5-80088634-C-T.
Other names: short protein forms Q876*.
Identifiers: ClinVar variation 4654265 (VCV004654265.1).

ClinVar aggregate classification (germline): Pathogenic (1 of 4 stars; one submission).

Conditions:
Hereditary cancer-predisposing syndrome. Also called: Neoplastic Syndromes, Hereditary; Tumor predisposition; Hereditary Cancer Syndrome; Hereditary neoplastic syndrome. Identifiers: Orphanet 140162, MedGen C0027672, MeSH D009386, MONDO:0015356.

Submission:

Ambry Genetics
Classification: Pathogenic for Hereditary cancer-predisposing syndrome. Last evaluated: 2025-09-24. Review status: criteria provided, single submitter. Criteria: Ambry Variant Classification Scheme 2023. Collection method: clinical testing. Allele origin: germline.
Comment: The p.Q876* pathogenic mutation (also known as c.2626C>T), located in coding exon 19 of the MSH3 gene, results from a C to T substitution at nucleotide position 2626. This changes the amino acid from a glutamine to a stop codon within coding exon 19. This variant is considered to be rare based on population cohorts in the Genome Aggregation Database (gnomAD). This alteration is expected to result in loss of function by premature protein truncation or nonsense-mediated mRNA decay. As such, this alteration is interpreted as a disease-causing mutation.